The following is an entry in ClinVar:

NM_144573.4(NEXN):c.803A>G (p.Glu268Gly)

Gene: NEXN (nexilin F-actin binding protein; plus strand). Cytogenetic location: 1p31.1.
Variant type: single nucleotide variant.
Coding change: c.803A>G on transcript NM_144573.4 (MANE Select); coding-DNA position 803, A replaced by G.
Protein change: p.Glu268Gly; replaces glutamic acid 268 with glycine.
Molecular consequence: missense variant.
Genome position (GRCh38, 1-based): chr1:77,926,831, A>G. VCF-style: chr1-77926831-A-G. GRCh37 (hg19) VCF-style: chr1-78392516-A-G.
Other names: c.611A>G, p.Glu204Gly (NM_001172309.2); short protein forms E268G, E204G.
Identifiers: ClinVar variation 2934864 (VCV002934864.4), dbSNP rs1015746268, ClinGen allele CA24678822.

ClinVar aggregate classification (germline): Uncertain significance. Review status: criteria provided, multiple submitters, no conflicts (2 of 4 stars). 2 submissions from 2 submitters: Uncertain significance (2). Last evaluated 2026-02-24.

Conditions:
Cardiovascular phenotype. Identifiers: MedGen CN230736.
Dilated cardiomyopathy 1CC (CMD1CC). Identifiers: Orphanet 154, MedGen C2751084, MONDO:0013147, OMIM 613122.
Hypertrophic cardiomyopathy 20. Identifiers: MedGen C3151267, MONDO:0013477, OMIM 613876.

Submissions (2):

Ambry Genetics
Classification: Uncertain significance for Cardiovascular phenotype. Last evaluated: 2026-02-24. Review status: criteria provided, single submitter. Criteria: Ambry Variant Classification Scheme 2023. Collection method: clinical testing. Allele origin: germline.
Comment: The p.E268G variant (also known as c.803A>G), located in coding exon 7 of the NEXN gene, results from an A to G substitution at nucleotide position 803. The glutamic acid at codon 268 is replaced by glycine, an amino acid with similar properties. This amino acid position is conserved. In addition, this alteration is predicted to be tolerated by in silico analysis. Based on the available evidence, the clinical significance of this variant remains unclear.

Labcorp Genetics (formerly Invitae), Labcorp
Classification: Uncertain significance for Dilated cardiomyopathy 1CC; Hypertrophic cardiomyopathy 20. Last evaluated: 2025-06-13. Review status: criteria provided, single submitter. Criteria: Invitae Variant Classification Sherloc (09022015). Collection method: clinical testing. Allele origin: germline.
Comment: This sequence change replaces glutamic acid, which is acidic and polar, with glycine, which is neutral and non-polar, at codon 268 of the NEXN protein (p.Glu268Gly). This variant is present in population databases (no rsID available, gnomAD no frequency). This variant has not been reported in the literature in individuals affected with NEXN-related conditions. ClinVar contains an entry for this variant (Variation ID: 2934864). Invitae Evidence Modeling of protein sequence and biophysical properties (such as structural, functional, and spatial information, amino acid conservation, physicochemical variation, residue mobility, and thermodynamic stability) indicates that this missense variant is not expected to disrupt NEXN protein function with a negative predictive value of 80%. In summary, the available evidence is currently insufficient to determine the role of this variant in disease. Therefore, it has been classified as a Variant of Uncertain Significance.